The following is an entry in ClinVar:

NM_004006.3(DMD):c.1382A>G (p.Asn461Ser)

Gene: DMD (dystrophin; minus strand). Cytogenetic location: Xp21.1.
Variant type: single nucleotide variant.
Coding change: c.1382A>G on transcript NM_004006.3 (MANE Select); coding-DNA position 1382, A replaced by G.
Protein change: p.Asn461Ser; replaces asparagine 461 with serine.
Molecular consequence: missense variant.
Genome position (GRCh38, 1-based): chrX:32,614,403, T>C on the plus strand (A>G on the coding strand, the complement: DMD is on the minus strand). VCF-style: chrX-32614403-T-C. GRCh37 (hg19) VCF-style: chrX-32632520-T-C.
Other names: c.1358A>G, p.Asn453Ser (NM_000109.4); c.1370A>G, p.Asn457Ser (NM_004009.3); c.1013A>G, p.Asn338Ser (NM_004010.3); short protein forms N461S, N453S, N457S, N338S.
Identifiers: ClinVar variation 263605 (VCV000263605.20), dbSNP rs775115784, ClinGen allele CA10379867.

ClinVar aggregate classification (germline): Conflicting classifications of pathogenicity. Review status: criteria provided, conflicting classifications (1 of 4 stars). 6 submissions from 6 submitters: Uncertain significance (3); Likely benign (3). Last evaluated 2026-01-25.

Conditions:
DMD-related disorder. Also called: DMD-related condition.
Cardiovascular phenotype. Identifiers: MedGen CN230736.
Cardiomyopathy (CMYO). Also called: Cardiomyopathies. Identifiers: Orphanet 167848, MedGen C0878544, MONDO:0004994, HP:0001638. Inheritance: Various modes of inheritance.
Duchenne muscular dystrophy (DMD). Also called: Duchenne Muscular Dystrophy (DMD); MUSCULAR DYSTROPHY, PSEUDOHYPERTROPHIC PROGRESSIVE, DUCHENNE TYPE. Identifiers: Orphanet 98896, MedGen C0013264, MONDO:0010679, OMIM 310200.

Allele frequency attached by ClinVar (database versions not stated): gnomAD exomes below 0.00001 and 0.00002; gnomAD 0.00002; ExAC 0.00004; TOPMed 0.00005.
gnomAD v4.1: 16 of 1,205,126 alleles (0.0013%); highest among the groups gnomAD compares: East Asian, 0.015%; 1 homozygote.

Submissions (6):

Labcorp Genetics (formerly Invitae), Labcorp
Classification: Likely benign for Duchenne muscular dystrophy. Last evaluated: 2026-01-25. Review status: criteria provided, single submitter. Criteria: Invitae Variant Classification Sherloc (09022015). Collection method: clinical testing. Allele origin: germline.

PreventionGenetics, part of Exact Sciences
Classification: Uncertain significance for DMD-related condition. Last evaluated: 2025-11-10. Review status: criteria provided, single submitter. Criteria: ACMG Guidelines, 2015. Collection method: clinical testing. Allele origin: germline.
Comment: The DMD c.1382A>G variant is predicted to result in the amino acid substitution p.Asn461Ser. To our knowledge, this variant has not been reported in the literature. This variant is reported in 0.034% of alleles in individuals of East Asian descent in gnomAD, including 2 hemizygotes. Although we suspect that this variant may be benign, at this time, the clinical significance of this variant is uncertain due to the absence of conclusive functional and genetic evidence.

Revvity Omics, Revvity
Classification: Uncertain significance. Last evaluated: 2023-01-11. Review status: criteria provided, single submitter. Criteria: ACMG Guidelines, 2015. Collection method: clinical testing. Allele origin: germline.

Ambry Genetics
Classification: Uncertain significance for Cardiovascular phenotype. Last evaluated: 2022-08-11. Review status: criteria provided, single submitter. Criteria: Ambry Variant Classification Scheme 2023. Collection method: clinical testing. Allele origin: germline.
Comment: The p.N461S variant (also known as c.1382A>G), located in coding exon 12 of the DMD gene, results from an A to G substitution at nucleotide position 1382. The asparagine at codon 461 is replaced by serine, an amino acid with highly similar properties. Based on data from gnomAD, the G allele has an overall frequency of 0.0025% (5/203428) total alleles studied, with 2 hemizygote(s) observed. The highest observed frequency was 0.0339% (5/14745) of East Asian alleles. This amino acid position is not well conserved in available vertebrate species. In addition, this alteration is predicted to be tolerated by in silico analysis. Since supporting evidence is limited at this time, the clinical significance of this alteration remains unclear.

Blueprint Genetics
Classification: Likely benign. Last evaluated: 2022-02-09. Review status: criteria provided, single submitter. Criteria: ACMG Guidelines, 2015. Collection method: clinical testing. Allele origin: germline.

Center for Advanced Laboratory Medicine, UC San Diego Health, University of California San Diego
Classification: Likely benign for Cardiomyopathy. Last evaluated: 2017-04-04. Review status: criteria provided, single submitter. Criteria: ACMG Guidelines, 2015. Collection method: clinical testing. Allele origin: germline. Affected: yes. Observed: 1 variant allele.